The following is an entry in ClinVar:

NM_002227.4(JAK1):c.675G>T (p.Leu225Phe)

Gene: JAK1 (Janus kinase 1; minus strand). Cytogenetic location: 1p31.3.
Variant type: single nucleotide variant.
Coding change: c.675G>T on transcript NM_002227.4 (MANE Select); coding-DNA position 675, G replaced by T.
Protein change: p.Leu225Phe; replaces leucine 225 with phenylalanine.
Molecular consequence: missense variant.
Genome position (GRCh38, 1-based): chr1:64,867,181, C>A on the plus strand (G>T on the coding strand, the complement: JAK1 is on the minus strand). VCF-style: chr1-64867181-C-A. GRCh37 (hg19) VCF-style: chr1-65332864-C-A.
Other names: c.675G>T, p.Leu225Phe (NM_001320923.2, NM_001321852.2, NM_001321853.2 and 4 more transcripts); short protein forms L225F.
Identifiers: ClinVar variation 3730582 (VCV003730582.2).

ClinVar aggregate classification (germline): Uncertain significance (1 of 4 stars; one submission).

Submission:

Labcorp Genetics (formerly Invitae), Labcorp
Classification: Uncertain significance. Last evaluated: 2024-10-01. Review status: criteria provided, single submitter. Criteria: Invitae Variant Classification Sherloc (09022015). Collection method: clinical testing. Allele origin: germline.
Comment: This sequence change replaces leucine, which is neutral and non-polar, with phenylalanine, which is neutral and non-polar, at codon 225 of the JAK1 protein (p.Leu225Phe). This variant is not present in population databases (gnomAD no frequency). This variant has not been reported in the literature in individuals affected with JAK1-related conditions. Invitae Evidence Modeling of protein sequence and biophysical properties (such as structural, functional, and spatial information, amino acid conservation, physicochemical variation, residue mobility, and thermodynamic stability) indicates that this missense variant is not expected to disrupt JAK1 protein function with a negative predictive value of 80%. In summary, the available evidence is currently insufficient to determine the role of this variant in disease. Therefore, it has been classified as a Variant of Uncertain Significance.